The following is an entry in ClinVar:

ClinVar aggregate classification (germline): Pathogenic. Review status: criteria provided, multiple submitters, no conflicts (2 of 4 stars). 7 submissions from 7 submitters: Pathogenic (5). 2 of the submissions do not count toward it. Last evaluated 2026-05-01.

Conditions:
BTK-related disorder. Also called: BTK-related condition.
Autosomal recessive agammaglobulinemia 1 (AGM1). Also called: AGAMMAGLOBULINEMIA, AUTOSOMAL RECESSIVE, DUE TO IGHM DEFECT; Agammaglobulinemia type 1. Identifiers: MedGen C3152144, MONDO:0020729, OMIM 601495.
X-linked agammaglobulinemia (XLA). Also called: Agammaglobulinemia, Bruton tyrosine kinase; Agammaglobulinemia, BTK; BTK-deficiency; Bruton-type agammaglobulinemia; Bruton's agammaglobulinemia; AGAMMAGLOBULINEMIA, X-LINKED, TYPE 1. Identifiers: Orphanet 229717, Orphanet 47, MedGen C0221026, MONDO:0010421, OMIM 300755.
X-linked agammaglobulinemia with growth hormone deficiency (IGHD3). Also called: AGAMMAGLOBULINEMIA AND ISOLATED GROWTH HORMONE DEFICIENCY, X-LINKED; ISOLATED GROWTH HORMONE DEFICIENCY, TYPE III, WITH AGAMMAGLOBULINEMIA; FLEISHER SYNDROME; Isolated growth hormone deficiency type 3; Growth hormone deficiency with hypogammaglobulinemia; HYPOGAMMAGLOBULINEMIA AND ISOLATED GROWTH HORMONE DEFICIENCY, X-LINKED. Identifiers: Orphanet 231692, Orphanet 631, MedGen C0472813, MONDO:0010615, OMIM 307200.

Submissions (7):

CeGaT Center for Human Genetics Tuebingen
Classification: Pathogenic. Last evaluated: 2026-05-01. Review status: criteria provided, single submitter. Criteria: CeGaT Center For Human Genetics Tuebingen Variant Classification Criteria Version 2. Collection method: clinical testing. Allele origin: germline. Affected: yes. Observed: 1 variant allele.
Comment: BTK: PS4, PM2, PM5, PM1:Supporting, PP3

Mayo Clinic Laboratories, Mayo Clinic
Classification: Pathogenic. Last evaluated: 2025-11-12. Review status: criteria provided, single submitter. Criteria: ACMG Guidelines, 2015. Collection method: clinical testing. Allele origin: germline. Observed: 1 variant allele.
Comment: PP1_moderate, PP2, PP3_moderate, PP4, PM2_supporting, PS4

Women's Health and Genetics/Laboratory Corporation of America, LabCorp
Classification: Pathogenic for X-linked agammaglobulinemia. Last evaluated: 2025-04-23. Review status: criteria provided, single submitter. Criteria: LabCorp Variant Classification Summary - May 2015. Collection method: clinical testing. Allele origin: germline.
Comment: Variant summary: BTK c.1684C>T (p.Arg562Trp) results in a non-conservative amino acid change in the encoded protein sequence. Five of five in-silico tools predict a damaging effect of the variant on protein function. The variant was absent in 183615 control chromosomes. c.1684C>T has been observed in multiple individuals affected with X-Linked Agammaglobulinemia (example, Hagemann_1994, Vorechovsky_1995, Wattanasirichaigoon_2006, Chan_2006, Conley_1994, Danielian_2003, Lopez-Herrera_2007). These data indicate that the variant is very likely to be associated with disease. The following publications have been ascertained in the context of this evaluation (PMID: 15661032, 16160918, 7849697, 9545398, 12655572, 7880320, 9445504, 11742281, 11809909, 12405164, 7809124, 7711734, 16712653, 16951917, 17765309, 17967562). ClinVar contains an entry for this variant (Variation ID: 11383). Based on the evidence outlined above, the variant was classified as pathogenic.

Labcorp Genetics (formerly Invitae), Labcorp
Classification: Pathogenic for X-linked agammaglobulinemia with growth hormone deficiency. Last evaluated: 2025-04-17. Review status: criteria provided, single submitter. Criteria: Invitae Variant Classification Sherloc (09022015). Collection method: clinical testing. Allele origin: germline.
Comment: This sequence change replaces arginine, which is basic and polar, with tryptophan, which is neutral and slightly polar, at codon 562 of the BTK protein (p.Arg562Trp). This variant is not present in population databases (gnomAD no frequency). This missense change has been observed in individuals with X-linked agammaglobulinemia (PMID: 7880320, 11742281, 16951917, 17765309, 19904586). It has also been observed to segregate with disease in related individuals. ClinVar contains an entry for this variant (Variation ID: 11383). Invitae Evidence Modeling of protein sequence and biophysical properties (such as structural, functional, and spatial information, amino acid conservation, physicochemical variation, residue mobility, and thermodynamic stability) indicates that this missense variant is expected to disrupt BTK protein function with a positive predictive value of 95%. For these reasons, this variant has been classified as Pathogenic.

Blueprint Genetics
Classification: Pathogenic for BTK-related disorders. Last evaluated: 2021-07-22. Review status: criteria provided, single submitter. Criteria: ACMG Guidelines, 2015. Collection method: clinical testing. Allele origin: germline. Affected: yes. Observed: 1 variant allele.

Clinical Molecular Genetics Laboratory, Johns Hopkins All Children's Hospital
Classification: Pathogenic for Autosomal agammaglobulinemia. Last evaluated: 2011-08-31. Review status: no assertion criteria provided. Collection method: clinical testing. Allele origin: germline. Affected: yes. Not counted in ClinVar's aggregate classification.

OMIM
Classification: Pathogenic for AGAMMAGLOBULINEMIA, X-LINKED. Last evaluated: 1994-10-01. Review status: no assertion criteria provided. Collection method: literature only. Allele origin: germline. Not counted in ClinVar's aggregate classification.

Literature cited by the submitters: PubMed 11742281 (cited by 3 submitters); PubMed 16951917 (cited by 3 submitters); PubMed 17765309 (cited by 3 submitters); PubMed 19904586 (cited by Mayo Clinic Laboratories, Mayo Clinic and Labcorp Genetics (formerly Invitae), Labcorp); PubMed 29658452 (cited by Mayo Clinic Laboratories, Mayo Clinic); PubMed 30072168 (cited by Mayo Clinic Laboratories, Mayo Clinic); PubMed 32552675 (cited by Mayo Clinic Laboratories, Mayo Clinic); PubMed 32888943 (cited by Mayo Clinic Laboratories, Mayo Clinic); PubMed 35074268 (cited by Mayo Clinic Laboratories, Mayo Clinic); PubMed 7849697 (cited by 3 submitters); PubMed 7880320 (cited by 4 submitters); PubMed 15661032 (cited by Women's Health and Genetics/Laboratory Corporation of America, LabCorp); PubMed 16160918 (cited by Women's Health and Genetics/Laboratory Corporation of America, LabCorp); PubMed 9545398 (cited by Women's Health and Genetics/Laboratory Corporation of America, LabCorp); PubMed 12655572 (cited by Women's Health and Genetics/Laboratory Corporation of America, LabCorp); PubMed 9445504 (cited by Women's Health and Genetics/Laboratory Corporation of America, LabCorp); PubMed 11809909 (cited by Women's Health and Genetics/Laboratory Corporation of America, LabCorp); PubMed 12405164 (cited by Women's Health and Genetics/Laboratory Corporation of America, LabCorp); PubMed 7809124 (cited by Women's Health and Genetics/Laboratory Corporation of America, LabCorp); PubMed 7711734 (cited by Women's Health and Genetics/Laboratory Corporation of America, LabCorp); PubMed 16712653 (cited by Women's Health and Genetics/Laboratory Corporation of America, LabCorp); PubMed 17967562 (cited by Women's Health and Genetics/Laboratory Corporation of America, LabCorp).

NM_000061.3(BTK):c.1684C>T (p.Arg562Trp)

Gene: BTK (Bruton tyrosine kinase; minus strand). Cytogenetic location: Xq22.1.
Variant type: single nucleotide variant.
Coding change: c.1684C>T on transcript NM_000061.3 (MANE Select); coding-DNA position 1684, C replaced by T.
Protein change: p.Arg562Trp; replaces arginine 562 with tryptophan.
Molecular consequence: missense variant.
Genome position (GRCh38, 1-based): chrX:101,353,936, G>A on the plus strand (C>T on the coding strand, the complement: BTK is on the minus strand). VCF-style: chrX-101353936-G-A. GRCh37 (hg19) VCF-style: chrX-100608924-G-A.
Other names: c.1786C>T, p.Arg596Trp (NM_001287344.2); c.1156C>T, p.Arg386Trp (NM_001287345.2); short protein forms R562W, R596W, R386W.
Identifiers: ClinVar variation 11383 (VCV000011383.16), dbSNP rs128621204, ClinGen allele CA255833.
Genomic context (GRCh38, chrX:101,353,936, plus strand): 5'-CCCAAATGTCAGATTTGCTGCTGAACTTGCTATACATCAGGACTTCCGGTGGGGACCACC[G>A]GACTGGAAATTTGGAGCCTACTGAGCTTGTGTATTCATCATCCAGGACATACCTGCAAGG-3'
Protein context (NP_000052.1, residues 552-572): TSSVGSKFPV[Arg562Trp]WSPPEVLMYS